The following is an entry in ClinVar:

ClinVar aggregate classification (germline): Pathogenic (1 of 4 stars; one submission).

Allele frequency attached by ClinVar (database versions not stated): TOPMed 0.00002.

Submission:

Labcorp Genetics (formerly Invitae), Labcorp
Classification: Pathogenic. Last evaluated: 2022-07-19. Review status: criteria provided, single submitter. Criteria: Invitae Variant Classification Sherloc (09022015). Collection method: clinical testing. Allele origin: germline.
Comment: This sequence change creates a premature translational stop signal (p.Ser49Phefs*3) in the AGBL5 gene. It is expected to result in an absent or disrupted protein product. Loss-of-function variants in AGBL5 are known to be pathogenic (PMID: 27764769, 27842159). This variant is not present in population databases (gnomAD no frequency). This variant has not been reported in the literature in individuals affected with AGBL5-related conditions. ClinVar contains an entry for this variant (Variation ID: 1391360). For these reasons, this variant has been classified as Pathogenic.

Literature cited by the submitters: PubMed 27764769; PubMed 27842159.

NM_021831.6(AGBL5):c.143dup (p.Ser49fs)

Gene: AGBL5 (AGBL carboxypeptidase 5; plus strand). Cytogenetic location: 2p23.3.
Variant type: Duplication.
Coding change: c.143dup on transcript NM_021831.6 (MANE Select); coding-DNA position 143, one base duplicated (C; older notation c.143dupC).
Protein change: p.Ser49fs; shifts the reading frame from serine 49.
Molecular consequence: frameshift variant. On other transcripts: non-coding transcript variant (2).
Genome position (GRCh38, 1-based): chr2:27,053,101, C duplicated. VCF-style (leftmost placement, unchanged base first): chr2-27053100-T-TC. GRCh37 (hg19) VCF-style: chr2-27275968-T-TC.
Other names: c.143dup, p.Ser49fs (NM_001035507.3); short protein forms S49fs.
Identifiers: ClinVar variation 1391360 (VCV001391360.8), dbSNP rs1286076992, ClinGen allele CA767350614.